The following is an entry in ClinVar:

ClinVar aggregate classification (germline): Uncertain significance. Review status: criteria provided, multiple submitters, no conflicts (2 of 4 stars). 2 submissions from 2 submitters: Uncertain significance (2). Last evaluated 2026-05-03.

Conditions:
Inborn genetic diseases. Identifiers: MedGen C0950123, MeSH D030342.
Wilms tumor 1 (WT1). Also called: Wilms tumor, somatic. Identifiers: Orphanet 654, MedGen CN033288, MONDO:0008679, OMIM 194070.

Allele frequency attached by ClinVar (database versions not stated): gnomAD exomes below 0.00001; TOPMed below 0.00001.
gnomAD v4.1: 1 of 1,614,210 alleles (0.000062%); highest among the groups gnomAD compares: South Asian, 0.0011%; no homozygotes.

Submissions (2):

Ambry Genetics
Classification: Uncertain significance for Inborn genetic diseases. Last evaluated: 2026-05-03. Review status: criteria provided, single submitter. Criteria: Ambry Variant Classification Scheme 2023. Collection method: clinical testing. Allele origin: germline.
Comment: The p.V361I variant (also known as c.1081G>A), located in coding exon 6 of the WT1 gene, results from a G to A substitution at nucleotide position 1081. The valine at codon 361 is replaced by isoleucine, an amino acid with highly similar properties. This amino acid position is conserved. In addition, the in silico prediction for this alteration is inconclusive. Based on the available evidence, the clinical significance of this variant remains unclear.

All of Us Research Program, National Institutes of Health
Classification: Uncertain significance for Wilms tumor 1. Last evaluated: 2024-01-11. Review status: criteria provided, single submitter. Criteria: ACMG Guidelines, 2015. Collection method: clinical testing. Allele origin: germline. Inheritance: Autosomal dominant inheritance. Observed: 1 variant allele, 1 heterozygote.
Comment: This study involves interpretation of variants in research participants for the purpose of population health screening. Participant phenotype was not available at the time of variant classification. Additional details can be found in publication PMID: 35346344, PMCID: PMC8962531

NM_024426.6(WT1):c.1096G>A (p.Val366Ile)

Gene: WT1 (WT1 transcription factor; minus strand). Cytogenetic location: 11p13.
Variant type: single nucleotide variant.
Coding change: c.1096G>A on transcript NM_024426.6 (MANE Select); coding-DNA position 1096, G replaced by A.
Protein change: p.Val366Ile; replaces valine 366 with isoleucine.
Molecular consequence: missense variant. On other transcripts: 5 prime UTR variant (1), non-coding transcript variant (2).
Genome position (GRCh38, 1-based): chr11:32,399,965, C>T on the plus strand (G>A on the coding strand, the complement: WT1 is on the minus strand). VCF-style: chr11-32399965-C-T. GRCh37 (hg19) VCF-style: chr11-32421511-C-T.
Other names: c.1045G>A, p.Val349Ile (NM_000378.6, NM_001407045.1, NM_001407048.1 and 1 more transcripts); c.445G>A, p.Val149Ile (NM_001198551.2); c.394G>A, p.Val132Ile (NM_001198552.2); c.-93G>A (NM_001367854.1); c.1090G>A, p.Val364Ile (NM_001407044.1); c.1096G>A, p.Val366Ile (NM_001407046.1, NM_024424.5); c.973G>A, p.Val325Ile (NM_001407047.1); c.922G>A, p.Val308Ile (NM_001407050.1); and 5 more; short protein forms V112I, V132I, V149I, V276I, V293I, V308I, V325I, V344I.
Identifiers: ClinVar variation 3075351 (VCV003075351.2), dbSNP rs1168699891, ClinGen allele CA379960280.